The following is an entry in ClinVar:

NM_000213.5(ITGB4):c.1222T>C (p.Tyr408His)

Gene: ITGB4 (integrin subunit beta 4; plus strand). Cytogenetic location: 17q25.1.
Variant type: single nucleotide variant.
Coding change: c.1222T>C on transcript NM_000213.5 (MANE Select); coding-DNA position 1222, T replaced by C.
Protein change: p.Tyr408His; replaces tyrosine 408 with histidine.
Molecular consequence: missense variant.
Genome position (GRCh38, 1-based): chr17:75,731,818, T>C. VCF-style: chr17-75731818-T-C. GRCh37 (hg19) VCF-style: chr17-73727899-T-C.
Other names: c.1222T>C, p.Tyr408His (NM_001005619.2, NM_001005731.3, NM_001321123.2); short protein forms Y408H.
Identifiers: ClinVar variation 4775618 (VCV004775618.1).

ClinVar aggregate classification (germline): Uncertain significance (1 of 4 stars; one submission).

Submission:

Labcorp Genetics (formerly Invitae), Labcorp
Classification: Uncertain significance. Last evaluated: 2025-09-22. Review status: criteria provided, single submitter. Criteria: Invitae Variant Classification Sherloc (09022015). Collection method: clinical testing. Allele origin: germline.
Comment: This sequence change replaces tyrosine, which is neutral and polar, with histidine, which is basic and polar, at codon 408 of the ITGB4 protein (p.Tyr408His). This variant is not present in population databases (gnomAD no frequency). This variant has not been reported in the literature in individuals affected with ITGB4-related conditions. Invitae Evidence Modeling of protein sequence and biophysical properties (such as structural, functional, and spatial information, amino acid conservation, physicochemical variation, residue mobility, and thermodynamic stability) indicates that this missense variant is not expected to disrupt ITGB4 protein function with a negative predictive value of 80%. In summary, the available evidence is currently insufficient to determine the role of this variant in disease. Therefore, it has been classified as a Variant of Uncertain Significance.